The following is an entry in ClinVar:

ClinVar aggregate classification (germline): Uncertain significance (1 of 4 stars; one submission).

Submission:

Labcorp Genetics (formerly Invitae), Labcorp
Classification: Uncertain significance. Last evaluated: 2023-07-20. Review status: criteria provided, single submitter. Criteria: Invitae Variant Classification Sherloc (09022015). Collection method: clinical testing. Allele origin: germline.
Comment: In summary, the available evidence is currently insufficient to determine the role of this variant in disease. Therefore, it has been classified as a Variant of Uncertain Significance. Advanced modeling of protein sequence and biophysical properties (such as structural, functional, and spatial information, amino acid conservation, physicochemical variation, residue mobility, and thermodynamic stability) performed at Invitae indicates that this missense variant is not expected to disrupt LOX protein function. This variant has not been reported in the literature in individuals affected with LOX-related conditions. This variant is not present in population databases (gnomAD no frequency). This sequence change replaces phenylalanine, which is neutral and non-polar, with leucine, which is neutral and non-polar, at codon 125 of the LOX protein (p.Phe125Leu).

NM_002317.7(LOX):c.375C>G (p.Phe125Leu)

Genes: LOX (lysyl oxidase; minus strand), SRFBP1 (serum response factor binding protein 1; plus strand). Cytogenetic location: 5q23.1.
Variant type: single nucleotide variant.
Coding change: c.375C>G on transcript NM_002317.7 (MANE Select); coding-DNA position 375, C replaced by G.
Protein change: p.Phe125Leu; replaces phenylalanine 125 with leucine.
Molecular consequence: missense variant.
Genome position (GRCh38, 1-based): chr5:122,077,611, G>C on the plus strand (C>G on the coding strand, the complement: LOX is on the minus strand). VCF-style: chr5-122077611-G-C. GRCh37 (hg19) VCF-style: chr5-121413306-G-C.
Other names: short protein forms F125L.
Identifiers: ClinVar variation 2829406 (VCV002829406.3), dbSNP rs1424480772, ClinGen allele CA360876594.